The following is an entry in ClinVar:

NM_001378373.1(MBL2):c.*1857A>G

Gene: MBL2 (mannose binding lectin 2; minus strand). Cytogenetic location: 10q21.1.
Variant type: single nucleotide variant.
Coding change: c.*1857A>G on transcript NM_001378373.1 (MANE Select); 1857 bases downstream of the stop codon, A replaced by G.
Molecular consequence: 3 prime UTR variant.
Genome position (GRCh38, 1-based): chr10:52,766,280, T>C on the plus strand (A>G on the coding strand, the complement: MBL2 is on the minus strand). VCF-style: chr10-52766280-T-C. GRCh37 (hg19) VCF-style: chr10-54526040-T-C.
Other names: c.*1857A>G (NM_000242.3, NM_001378374.1).
Identifiers: ClinVar variation 300119 (VCV000300119.6), dbSNP rs2120132, ClinGen allele CA10635449.

ClinVar aggregate classification (germline): Likely benign. Review status: criteria provided, multiple submitters, no conflicts (2 of 4 stars). 2 submissions from 2 submitters: Likely benign (2). Last evaluated 2018-01-13.

Conditions:
Mannose-binding lectin deficiency. Also called: LECTIN COMPLEMENT ACTIVATION PATHWAY, DEFECT IN, 1; MBP DEFICIENCY; MBL DEFICIENCY; MBL2 DEFICIENCY; Chronic infections, due to MBL deficiency. Identifiers: MedGen C3280586, MONDO:0013714, OMIM 614372.

Allele frequency attached by ClinVar (database versions not stated): 1000 Genomes Project 0.27336; gnomAD 0.28354 and 0.28951; 1000 Genomes Project 30x 0.28014; TOPMed 0.28787.

Submissions (2):

Illumina Laboratory Services, Illumina
Classification: Likely benign for Mannose-binding lectin deficiency. Last evaluated: 2018-01-13. Review status: criteria provided, single submitter. Criteria: ICSL Variant Classification Criteria 13 December 2019. Collection method: clinical testing. Allele origin: germline.
Comment: This variant was observed in the ICSL laboratory as part of a predisposition screen in an ostensibly healthy population. It had not been previously curated by ICSL or reported in the Human Gene Mutation Database (HGMD: prior to June 1st, 2018), and was therefore a candidate for classification through an automated scoring system. Utilizing variant allele frequency, disease prevalence and penetrance estimates, and inheritance mode, an automated score was calculated to assess if this variant is too frequent to cause the disease. Based on the score and internal cut-off values, a variant classified as likely benign is not then subjected to further curation. The score for this variant resulted in a classification of likely benign for this disease.

Breakthrough Genomics
Classification: Likely benign. Review status: criteria provided, single submitter. Criteria: ACMG Guidelines, 2015. Collection method: not provided. Allele origin: germline. Inheritance: Autosomal dominant inheritance. Affected: yes.